The following is an entry in ClinVar:

ClinVar aggregate classification (germline): Uncertain significance (1 of 4 stars; one submission).

Conditions:
Frontotemporal dementia and/or amyotrophic lateral sclerosis 1 (FTDALS1). Also called: Frontotemporal dementia with motor neuron disease 1; C9orf72 Frontotemporal Dementia and/or Amyotrophic Lateral Sclerosis. Identifiers: Orphanet 275872, MedGen C5779877, MONDO:0007105, OMIM 105550.
Paget disease of bone 2, early-onset (PDB2). Also called: Paget disease of bone 2. Identifiers: MedGen C4085251, MONDO:0011183, OMIM 602080.

Allele frequency attached by ClinVar (database versions not stated): TOPMed 0.00002; gnomAD exomes 0.00003.
gnomAD v4.1: 51 of 1,613,722 alleles (0.0032%); highest among the groups gnomAD compares: Non-Finnish European, 0.0042%; no homozygotes.

Submission:

Labcorp Genetics (formerly Invitae), Labcorp
Classification: Uncertain significance for Paget disease of bone 2, early-onset; Frontotemporal dementia and/or amyotrophic lateral sclerosis 1. Last evaluated: 2025-08-18. Review status: criteria provided, single submitter. Criteria: Invitae Variant Classification Sherloc (09022015). Collection method: clinical testing. Allele origin: germline.
Comment: This sequence change replaces glutamic acid, which is acidic and polar, with alanine, which is neutral and non-polar, at codon 177 of the SQSTM1 protein (p.Glu177Ala). This variant is not present in population databases (gnomAD no frequency). This variant has not been reported in the literature in individuals affected with SQSTM1-related conditions. ClinVar contains an entry for this variant (Variation ID: 542156). An algorithm developed to predict the effect of missense changes on protein structure and function (PolyPhen-2) suggests that this variant is likely to be tolerated. In summary, the available evidence is currently insufficient to determine the role of this variant in disease. Therefore, it has been classified as a Variant of Uncertain Significance.

NM_003900.5(SQSTM1):c.530A>C (p.Glu177Ala)

Gene: SQSTM1 (sequestosome 1; plus strand). Cytogenetic location: 5q35.3.
Variant type: single nucleotide variant.
Coding change: c.530A>C on transcript NM_003900.5 (MANE Select); coding-DNA position 530, A replaced by C.
Protein change: p.Glu177Ala; replaces glutamic acid 177 with alanine.
Molecular consequence: missense variant.
Genome position (GRCh38, 1-based): chr5:179,824,086, A>C. VCF-style: chr5-179824086-A-C. GRCh37 (hg19) VCF-style: chr5-179251086-A-C.
Other names: c.278A>C, p.Glu93Ala (NM_001142298.2, NM_001142299.2); short protein forms E177A, E93A.
Identifiers: ClinVar variation 542156 (VCV000542156.10), dbSNP rs1392938040, ClinGen allele CA362445164.
Genomic context (GRCh38, chr5:179,824,086, plus strand): 5'-AGGGCTTGCACCGGGGGCACACCAAGCTCGCATTCCCCAGCCCCTTCGGGCACCTGTCTG[A>C]GGTGAGCAGGCCCTCTGTGCAGGCCTGGGGTGGGCTCAGGGTGGCAGGAACCTTGACCCG-3'
Protein context (NP_003891.1, residues 167-187): AFPSPFGHLS[Glu177Ala]GFSHSRWLRK